The following is an entry in ClinVar:

NM_001378454.1(ALMS1):c.10105G>A (p.Gly3369Arg)

Gene: ALMS1 (ALMS1 centrosome and basal body associated protein; plus strand). Cytogenetic location: 2p13.1.
Variant type: single nucleotide variant.
Coding change: c.10105G>A on transcript NM_001378454.1 (MANE Select); coding-DNA position 10105, G replaced by A.
Protein change: p.Gly3369Arg; replaces glycine 3369 with arginine.
Molecular consequence: missense variant.
Genome position (GRCh38, 1-based): chr2:73,557,246, G>A. VCF-style: chr2-73557246-G-A. GRCh37 (hg19) VCF-style: chr2-73784373-G-A.
Other names: c.10108G>A, p.Gly3370Arg (NM_015120.4); short protein forms G3369R, G3370R.
Identifiers: ClinVar variation 1714124 (VCV001714124.3), dbSNP rs949792865, ClinGen allele CA50374832.

ClinVar aggregate classification (germline): Uncertain significance (1 of 4 stars; one submission).

Conditions:
Alstrom syndrome (ALMS). Identifiers: Orphanet 64, MedGen C0268425, MONDO:0008763, OMIM 203800.

Allele frequency attached by ClinVar (database versions not stated): gnomAD 0.00001; TOPMed 0.00001.
gnomAD v4.1: 1 of 1,614,018 alleles (0.000062%); highest among the groups gnomAD compares: African/African-American, 0.0013%; no homozygotes.

Submission:

Labcorp Genetics (formerly Invitae), Labcorp
Classification: Uncertain significance for Alstrom syndrome. Last evaluated: 2022-07-29. Review status: criteria provided, single submitter. Criteria: Invitae Variant Classification Sherloc (09022015). Collection method: clinical testing. Allele origin: germline.
Comment: This sequence change replaces glycine, which is neutral and non-polar, with arginine, which is basic and polar, at codon 3370 of the ALMS1 protein (p.Gly3370Arg). This variant is present in population databases (no rsID available, gnomAD 0.007%). This variant has not been reported in the literature in individuals affected with ALMS1-related conditions. Experimental studies and prediction algorithms are not available or were not evaluated, and the functional significance of this variant is currently unknown. In summary, the available evidence is currently insufficient to determine the role of this variant in disease. Therefore, it has been classified as a Variant of Uncertain Significance.